The following is an entry in ClinVar:

ClinVar aggregate classification (germline): Uncertain significance. Review status: criteria provided, multiple submitters, no conflicts (2 of 4 stars). 4 submissions from 4 submitters: Uncertain significance (2). 2 of the submissions do not count toward it. Last evaluated 2025-12-03.

Conditions:
Hereditary cancer-predisposing syndrome. Also called: Tumor predisposition; Neoplastic Syndromes, Hereditary; Hereditary Cancer Syndrome; Hereditary neoplastic syndrome. Identifiers: Orphanet 140162, MedGen C0027672, MeSH D009386, MONDO:0015356.
Ataxia-telangiectasia syndrome (AT). Also called: ATAXIA-TELANGIECTASIA, COMPLEMENTATION GROUP A; ATAXIA-TELANGIECTASIA, FRESNO VARIANT; Ataxia-telangiectasia; Ataxia-telangiectasia, complementation group D; AT, COMPLEMENTATION GROUP C; Ataxia-telangiectasia, complementation group E. Identifiers: Orphanet 100, MedGen C0004135, MONDO:0008840, OMIM 208900.

Allele frequency attached by ClinVar (database versions not stated): gnomAD exomes below 0.00001; ExAC 0.00001; gnomAD 0.00001.
gnomAD v4.1: 6 of 1,613,586 alleles (0.00037%); highest among the groups gnomAD compares: Non-Finnish European, 0.00051%; no homozygotes.

Submissions (4):

Labcorp Genetics (formerly Invitae), Labcorp
Classification: Uncertain significance for Ataxia-telangiectasia syndrome. Last evaluated: 2025-12-03. Review status: criteria provided, single submitter. Criteria: Invitae Variant Classification Sherloc (09022015). Collection method: clinical testing. Allele origin: germline.
Comment: This sequence change replaces valine, which is neutral and non-polar, with isoleucine, which is neutral and non-polar, at codon 2856 of the ATM protein (p.Val2856Ile). This variant is not present in population databases (gnomAD no frequency). This variant has not been reported in the literature in individuals affected with ATM-related conditions. ClinVar contains an entry for this variant (Variation ID: 822564). Invitae Evidence Modeling of protein sequence and biophysical properties (such as structural, functional, and spatial information, amino acid conservation, physicochemical variation, residue mobility, and thermodynamic stability) has been performed for this missense variant. However, the output from this modeling did not meet the statistical confidence thresholds required to predict the impact of this variant on ATM protein function. In summary, the available evidence is currently insufficient to determine the role of this variant in disease. Therefore, it has been classified as a Variant of Uncertain Significance.

Ambry Genetics
Classification: Uncertain significance for Hereditary cancer-predisposing syndrome. Last evaluated: 2023-08-07. Review status: criteria provided, single submitter. Criteria: Ambry Variant Classification Scheme 2023. Collection method: clinical testing. Allele origin: germline.
Comment: The p.V2856I variant (also known as c.8566G>A), located in coding exon 57 of the ATM gene, results from a G to A substitution at nucleotide position 8566. The valine at codon 2856 is replaced by isoleucine, an amino acid with highly similar properties. This amino acid position is highly conserved in available vertebrate species. In addition, the in silico prediction for this alteration is inconclusive. Since supporting evidence is limited at this time, the clinical significance of this alteration remains unclear.

Natera, Inc.
Classification: Uncertain significance for Ataxia-telangiectasia. Last evaluated: 2020-09-21. Review status: no assertion criteria provided. Collection method: clinical testing. Allele origin: germline. Not counted in ClinVar's aggregate classification.

Department of Pathology and Laboratory Medicine, Sinai Health System
Classification: Uncertain significance. Review status: no assertion criteria provided. Collection method: clinical testing. Allele origin: unknown. Affected: yes. Study: The Canadian Open Genetics Repository (COGR). Not counted in ClinVar's aggregate classification.
Comment: The ATM p.Val2856Ile variant was not identified in the literature nor was it identified in the ClinVar or LOVD 3.0 databases. The variant was identified in dbSNP (ID: rs777648248). The variant was not identified in the following control databases: the Exome Aggregation Consortium (August 8th 2016) or the Genome Aggregation Database (Feb 27, 2017). The p.Val2856 residue is conserved across mammals and other organisms, and four out of five computational analyses (PolyPhen-2, SIFT, AlignGVGD, BLOSUM, MutationTaster) suggest that the variant may impact the protein; however, this information is not predictive enough to assume pathogenicity. The variant occurs outside of the splicing consensus sequence and in silico or computational prediction software programs (SpliceSiteFinder, MaxEntScan, NNSPLICE, GeneSplicer) do not predict a difference in splicing. In summary, based on the above information, the clinical significance of this variant cannot be determined with certainty at this time. This variant is classified as a variant of uncertain significance.

NM_000051.4(ATM):c.8566G>A (p.Val2856Ile)

Genes: ATM (ATM serine/threonine kinase; plus strand), C11orf65 (chromosome 11 open reading frame 65; minus strand). Cytogenetic location: 11q22.3.
Variant type: single nucleotide variant.
Coding change: c.8566G>A on transcript NM_000051.4 (MANE Select); coding-DNA position 8566, G replaced by A.
Protein change: p.Val2856Ile; replaces valine 2856 with isoleucine.
Molecular consequence: missense variant. On other transcripts: intron variant (2).
Genome position (GRCh38, 1-based): chr11:108,345,890, G>A. VCF-style: chr11-108345890-G-A. GRCh37 (hg19) VCF-style: chr11-108216617-G-A.
Other names: c.8566G>A, p.Val2856Ile (NM_001351834.2); c.641-36819C>T (NM_001330368.2); c.695-10598C>T (NM_001351110.2); short protein forms V2856I.
Identifiers: ClinVar variation 822564 (VCV000822564.25), dbSNP rs777648248, ClinGen allele CA6266381.
Genomic context (GRCh38, chr11:108,345,890, plus strand): 5'-ATGGAAAAATTCTTGGATCCAGCTATTTGGTTTGAGAAGCGATTGGCTTATACGCGCAGT[G>A]TAGCTACTTCTTCTATTGGTAATCTTCTTGTACATATAGTAGATTGAGCACTTTGTTGTT-3'
Protein context (NP_000042.3, residues 2846-2866): FEKRLAYTRS[Val2856Ile]ATSSIVGYIL